The following is an entry in ClinVar:

NM_015346.4(ZFYVE26):c.3758del (p.Leu1253fs)

Gene: ZFYVE26 (zinc finger FYVE-type containing 26; minus strand). Cytogenetic location: 14q24.1.
Variant type: Deletion.
Coding change: c.3758del on transcript NM_015346.4 (MANE Select); coding-DNA position 3758, one base deleted (T; older notation c.3758delT).
Protein change: p.Leu1253fs; shifts the reading frame from leucine 1253.
Molecular consequence: frameshift variant.
Genome position (GRCh38, 1-based): chr14:67,783,394, A deleted on the plus strand (T on the coding strand, the reverse complement: ZFYVE26 is on the minus strand). VCF-style (leftmost placement, unchanged base first): chr14-67783393-CA-C. GRCh37 (hg19) VCF-style: chr14-68250110-CA-C.
Other names: short protein forms L1253fs.
Identifiers: ClinVar variation 5013458 (VCV005013458.1).

ClinVar aggregate classification (germline): Pathogenic (1 of 4 stars; one submission).

Conditions:
Hereditary spastic paraplegia 15 (SPG15). Also called: SPASTIC PARAPLEGIA 15, AUTOSOMAL RECESSIVE; KJELLIN SYNDROME; SPASTIC PARAPLEGIA AND RETINAL DEGENERATION. Identifiers: Orphanet 100996, MedGen C1849128, MONDO:0010044, OMIM 270700.

Submission:

Myriad Genetics, Inc.
Classification: Pathogenic for Hereditary spastic paraplegia 15. Last evaluated: 2024-08-18. Review status: criteria provided, single submitter. Criteria: Myriad Autosomal Dominant, Autosomal Recessive and X-Linked Classification Criteria (2023). Collection method: clinical testing. Allele origin: unknown.
Comment: NM_015346.3(ZFYVE26):c.3758delT(L1253Rfs*63) is expected to be pathogenic in the context of spastic paraplegia type 15. This variant is predicted to lead to an abnormal or absent protein product due to the creation of a premature termination codon in ZFYVE26, a gene where loss-of-function variants are known to be pathogenic. Please note: this variant was assessed in the context of healthy population screening.